The following is an entry in ClinVar:

ClinVar aggregate classification (germline): Likely benign. Review status: criteria provided, multiple submitters, no conflicts (2 of 4 stars). 3 submissions from 3 submitters: Likely benign (3). Last evaluated 2026-02-03.

Conditions:
Dilated cardiomyopathy 1O (CMD1O). Also called: CARDIOMYOPATHY, DILATED, WITH VENTRICULAR TACHYCARDIA. Identifiers: Orphanet 154, MedGen C1837839, MONDO:0012062, OMIM 608569.

Allele frequency attached by ClinVar (database versions not stated): gnomAD exomes 0.00002; ExAC 0.00003; gnomAD 0.00032; ESP Exome Variant Server 0.00040.

Submissions (3):

Labcorp Genetics (formerly Invitae), Labcorp
Classification: Likely benign for Dilated cardiomyopathy 1O. Last evaluated: 2026-02-03. Review status: criteria provided, single submitter. Criteria: Invitae Variant Classification Sherloc (09022015). Collection method: clinical testing. Allele origin: germline.

Women's Health and Genetics/Laboratory Corporation of America, LabCorp
Classification: Likely benign. Last evaluated: 2024-12-18. Review status: criteria provided, single submitter. Criteria: LabCorp Variant Classification Summary - May 2015. Collection method: clinical testing. Allele origin: germline.
Comment: Variant summary: ABCC9 c.1165-20delC alters a non-conserved nucleotide located at a position not widely known to affect splicing. Consensus agreement among computation tools predict no significant impact on normal splicing. However, these predictions have yet to be confirmed by functional studies. The frequency data for this variant in gnomAD is considered unreliable, as metrics indicate poor data quality at this position. To our knowledge, no occurrence of c.1165-20delC in individuals affected with Dilated Cardiomyopathy and no experimental evidence demonstrating its impact on protein function have been reported. ClinVar contains an entry for this variant (Variation ID: 1608423). Based on the evidence outlined above, the variant was classified as likely benign.

Blueprint Genetics
Classification: Likely benign. Last evaluated: 2020-10-31. Review status: criteria provided, single submitter. Criteria: ACMG Guidelines, 2015. Collection method: clinical testing. Allele origin: germline.

NM_020297.4(ABCC9):c.1165-20del

Gene: ABCC9 (ATP binding cassette subfamily C member 9; minus strand). Cytogenetic location: 12p12.1.
Variant type: Deletion.
Coding change: c.1165-20del on transcript NM_020297.4 (MANE Select); 20 bases into the intron before coding-DNA position 1165, one base deleted (C; older notation c.1165-20delC).
Molecular consequence: intron variant.
Genome position (GRCh38, 1-based): chr12:21,910,332, G deleted on the plus strand (C on the coding strand, the reverse complement: ABCC9 is on the minus strand). VCF-style (leftmost placement, unchanged base first): chr12-21910331-AG-A. GRCh37 (hg19) VCF-style: chr12-22063265-AG-A.
Other names: c.301-20del (NM_001377274.1); c.1165-20del (NM_005691.4, NM_001377273.1); c.1165-20delC (NM_005691.4).
Identifiers: ClinVar variation 1608423 (VCV001608423.11), dbSNP rs768812471, ClinGen allele CA6481711.
Genomic context (GRCh38, chr12:21,910,331, plus strand): 5'-GTTAGACGTAGAGAGCCTAAGGATTTTATTATAAATCATGGCCTACCAAAAAAAAAAAAA[AG>A]AGTACATAAAGCTCTAAACTTAAAATTGACACTATGATTATTTTCACTGAAAATAAATAA-3'